The following is an entry in ClinVar:

ClinVar aggregate classification (germline): Uncertain significance (1 of 4 stars; one submission).

Conditions:
Hereditary cancer-predisposing syndrome. Also called: Tumor predisposition; Hereditary Cancer Syndrome; Hereditary neoplastic syndrome; Neoplastic Syndromes, Hereditary. Identifiers: Orphanet 140162, MedGen C0027672, MeSH D009386, MONDO:0015356.

gnomAD v4.1: 1 of 1,609,670 alleles (0.000062%); highest among the groups gnomAD compares: Admixed American, 0.0017%; no homozygotes.

Submission:

Ambry Genetics
Classification: Uncertain significance for Hereditary cancer-predisposing syndrome. Last evaluated: 2025-11-08. Review status: criteria provided, single submitter. Criteria: Ambry Variant Classification Scheme 2023. Collection method: clinical testing. Allele origin: germline.
Comment: The p.K54N variant (also known as c.162A>C), located in coding exon 3 of the XRCC2 gene, results from an A to C substitution at nucleotide position 162. The lysine at codon 54 is replaced by asparagine, an amino acid with similar properties. This amino acid position is conserved. In addition, this alteration is predicted to be deleterious by in silico analysis. Based on the available evidence, the clinical significance of this variant remains unclear.

NM_005431.2(XRCC2):c.162A>C (p.Lys54Asn)

Gene: XRCC2 (X-ray repair cross complementing 2; minus strand). Cytogenetic location: 7q36.1.
Variant type: single nucleotide variant.
Coding change: c.162A>C on transcript NM_005431.2 (MANE Select); coding-DNA position 162, A replaced by C.
Protein change: p.Lys54Asn; replaces lysine 54 with asparagine.
Molecular consequence: missense variant.
Genome position (GRCh38, 1-based): chr7:152,649,323, T>G on the plus strand (A>C on the coding strand, the complement: XRCC2 is on the minus strand). VCF-style: chr7-152649323-T-G. GRCh37 (hg19) VCF-style: chr7-152346408-T-G.
Other names: short protein forms K54N.
Identifiers: ClinVar variation 4558605 (VCV004558605.1).